The following is an entry in ClinVar:

NM_014425.5(INVS):c.1784+6T>C

Gene: INVS (inversin; plus strand). Cytogenetic location: 9q31.1.
Variant type: single nucleotide variant.
Coding change: c.1784+6T>C on transcript NM_014425.5 (MANE Select); 6 bases into the intron after coding-DNA position 1784, T replaced by C.
Molecular consequence: intron variant.
Genome position (GRCh38, 1-based): chr9:100,273,082, T>C. VCF-style: chr9-100273082-T-C. GRCh37 (hg19) VCF-style: chr9-103035364-T-C.
Other names: c.1496+6T>C (NM_001318381.2); c.806+6T>C (NM_001318382.2).
Identifiers: ClinVar variation 2022124 (VCV002022124.4), dbSNP rs2490056318, ClinGen allele CA2580079276.

ClinVar aggregate classification (germline): Uncertain significance (1 of 4 stars; one submission).

Conditions:
Nephronophthisis. Also called: Juvenile Nephronophthisis. Identifiers: Orphanet 655, MedGen C0687120, MONDO:0019005, HP:0000090.

gnomAD v4.1: 2 of 1,612,448 alleles (0.00012%); highest among the groups gnomAD compares: Non-Finnish European, 0.000085%; no homozygotes.

Submission:

Labcorp Genetics (formerly Invitae), Labcorp
Classification: Uncertain significance for Nephronophthisis. Last evaluated: 2022-11-22. Review status: criteria provided, single submitter. Criteria: Invitae Variant Classification Sherloc (09022015). Collection method: clinical testing. Allele origin: germline.
Comment: In summary, the available evidence is currently insufficient to determine the role of this variant in disease. Therefore, it has been classified as a Variant of Uncertain Significance. Variants that disrupt the consensus splice site are a relatively common cause of aberrant splicing (PMID: 17576681, 9536098). Algorithms developed to predict the effect of sequence changes on RNA splicing suggest that this variant is not likely to affect RNA splicing. This variant has not been reported in the literature in individuals affected with INVS-related conditions. This variant is not present in population databases (gnomAD no frequency). This sequence change falls in intron 12 of the INVS gene. It does not directly change the encoded amino acid sequence of the INVS protein. It affects a nucleotide within the consensus splice site.

Literature cited by the submitters: PubMed 17576681; PubMed 9536098.